The following is an entry in ClinVar:

NM_000551.4(VHL):c.341-6C>T

Genes: VHL (von Hippel-Lindau tumor suppressor; plus strand), LOC107303340 (3p25 von Hippel-Lindau tumor suppressor, E3 ubiquitin protein ligase Alu-mediated recombination region; plus strand). Cytogenetic location: 3p25.3.
Variant type: single nucleotide variant.
Coding change: c.341-6C>T on transcript NM_000551.4 (MANE Select); 6 bases into the intron before coding-DNA position 341, C replaced by T.
Molecular consequence: intron variant.
Genome position (GRCh38, 1-based): chr3:10,146,508, C>T. VCF-style: chr3-10146508-C-T. GRCh37 (hg19) VCF-style: chr3-10188192-C-T.
Other names: c.341-3279C>T (NM_198156.3); c.*18-3279C>T (NM_001354723.2).
Identifiers: ClinVar variation 371898 (VCV000371898.25), dbSNP rs191201783, ClinGen allele CA040631.

ClinVar aggregate classification (germline): Benign/Likely benign. Review status: criteria provided, multiple submitters, no conflicts (2 of 4 stars). 10 submissions from 10 submitters: Benign (3); Likely benign (5). 2 of the submissions do not count toward it. Last evaluated 2026-01-19.

Conditions:
VHL-related disorder. Also called: VHL-related condition.
Chuvash polycythemia. Also called: POLYCYTHEMIA, VHL-DEPENDENT. Identifiers: Orphanet 238557, MedGen C1837915, MONDO:0009892, OMIM 263400.
Von Hippel-Lindau syndrome (VHLS). Also called: von Hippel–Lindau syndrome; Von Hippel-Lindau; VHL syndrome. Identifiers: Orphanet 892, MedGen C0019562, MONDO:0008667, OMIM 193300. Disease mechanism: loss of function.
Hereditary cancer-predisposing syndrome. Also called: Tumor predisposition; Hereditary Cancer Syndrome; Hereditary neoplastic syndrome; Neoplastic Syndromes, Hereditary. Identifiers: Orphanet 140162, MedGen C0027672, MeSH D009386, MONDO:0015356.

Allele frequency attached by ClinVar (database versions not stated): gnomAD exomes 0.00002 and 0.00006; ExAC 0.00007; ESP Exome Variant Server 0.00015; gnomAD 0.00019; TOPMed 0.00025; 1000 Genomes Project 30x 0.00047; 1000 Genomes Project 0.00060.
gnomAD v4.1: 66 of 1,613,434 alleles (0.0041%); highest among the groups gnomAD compares: African/African-American, 0.068%; no homozygotes.

Submissions (10):

Labcorp Genetics (formerly Invitae), Labcorp
Classification: Likely benign for Von Hippel-Lindau syndrome; Chuvash polycythemia. Last evaluated: 2026-01-19. Review status: criteria provided, single submitter. Criteria: Invitae Variant Classification Sherloc (09022015). Collection method: clinical testing. Allele origin: germline.

Myriad Genetics, Inc.
Classification: Benign for Von Hippel-Lindau syndrome. Last evaluated: 2024-09-11. Review status: criteria provided, single submitter. Criteria: Myriad Autosomal Dominant, Autosomal Recessive and X-Linked Classification Criteria (2023). Collection method: clinical testing. Allele origin: unknown.
Comment: This variant is considered benign. This variant is intronic and is not expected to impact mRNA splicing. This variant has been observed at a population frequency that is significantly greater than expected given the associated disease prevalence and penetrance.

All of Us Research Program, National Institutes of Health
Classification: Likely benign for Von Hippel-Lindau syndrome. Last evaluated: 2023-11-20. Review status: criteria provided, single submitter. Criteria: ACMG Guidelines, 2015. Collection method: clinical testing. Allele origin: germline. Inheritance: Autosomal dominant inheritance. Observed: 11 variant alleles, 11 heterozygotes.
Comment: This study involves interpretation of variants in research participants for the purpose of population health screening. Participant phenotype was not available at the time of variant classification. Additional details can be found in publication PMID: 35346344, PMCID: PMC8962531

Women's Health and Genetics/Laboratory Corporation of America, LabCorp
Classification: Benign. Last evaluated: 2023-05-25. Review status: criteria provided, single submitter. Criteria: LabCorp Variant Classification Summary - May 2015. Collection method: clinical testing. Allele origin: germline.
Comment: Variant summary: VHL c.341-6C>T alters a non-conserved nucleotide located close to a canonical splice site and therefore could affect mRNA splicing, leading to a significantly altered protein sequence. 4/4 computational tools predict no significant impact on normal splicing. However, these predictions have yet to be confirmed by functional studies. The variant allele was found at a frequency of 8.1e-05 in 282842 control chromosomes (gnomAD), predominantly at a frequency of 0.0008 within the African or African-American subpopulation in the gnomAD database. The observed variant frequency within African or African-American control individuals in the gnomAD database is approximately 38 fold of the estimated maximal expected allele frequency for a pathogenic variant in VHL causing Von Hippel-Lindau Syndrome (2.1e-05), strongly suggesting that the variant is a benign polymorphism found primarily in populations of African or African-American origin. c.341-6C>T has been reported in the literature in an individual affected with intracranial aneurysms (Klingler_2013) and an individual with Pheochromocytomas (Ben Aim_2019). These reports do not provide unequivocal conclusions about association of the variant with Von Hippel-Lindau Syndrome. To our knowledge, no experimental evidence demonstrating an impact on protein function has been reported. The following publications have been ascertained in the context of this evaluation (PMID: 30877234, 23434161). Five ClinVar submitters have assessed the variant since 2014: four classified the variant as likely benign, and one as benign. Based on the evidence outlined above, the variant was classified as benign.

Color Diagnostics, LLC DBA Color Health
Classification: Likely benign for Von Hippel-Lindau syndrome. Last evaluated: 2022-05-04. Review status: criteria provided, single submitter. Criteria: ACMG Guidelines, 2015. Collection method: clinical testing. Allele origin: germline.

GeneDx
Classification: Likely benign. Last evaluated: 2021-04-19. Review status: criteria provided, single submitter. Criteria: GeneDx Variant Classification Process June 2021. Collection method: clinical testing. Allele origin: germline. Affected: yes.
Comment: This variant is associated with the following publications: (PMID: 30877234, 22517557, 27994516, 23434161)

Sema4
Classification: Benign for Hereditary cancer-predisposing syndrome. Last evaluated: 2020-12-04. Review status: criteria provided, single submitter. Criteria: Sema4 Curation Guidelines. Collection method: curation. Allele origin: germline.

Genetic Services Laboratory, University of Chicago
Classification: Likely benign. Last evaluated: 2019-06-08. Review status: criteria provided, single submitter. Criteria: ACMG Guidelines, 2015. Collection method: clinical testing. Allele origin: germline. Affected: no.

PreventionGenetics, part of Exact Sciences
Classification: Likely benign for VHL-related condition. Last evaluated: 2020-07-06. Review status: no assertion criteria provided. Collection method: clinical testing. Allele origin: germline. Not counted in ClinVar's aggregate classification.
Comment: This variant is classified as likely benign based on ACMG/AMP sequence variant interpretation guidelines (Richards et al. 2015 PMID: 25741868, with internal and published modifications).

Counsyl
Classification: Likely benign for Von Hippel-Lindau syndrome. Last evaluated: 2016-07-29. Review status: no assertion criteria provided. Collection method: clinical testing. Allele origin: unknown. Not counted in ClinVar's aggregate classification.

Literature cited by the submitters: PubMed 23434161 (cited by Women's Health and Genetics/Laboratory Corporation of America, LabCorp); PubMed 30877234 (cited by Women's Health and Genetics/Laboratory Corporation of America, LabCorp).